The following is an entry in ClinVar:

NM_004260.4(RECQL4):c.1493C>T (p.Thr498Met)

Gene: RECQL4 (RecQ like helicase 4; minus strand). Cytogenetic location: 8q24.3.
Variant type: single nucleotide variant.
Coding change: c.1493C>T on transcript NM_004260.4 (MANE Select); coding-DNA position 1493, C replaced by T.
Protein change: p.Thr498Met; replaces threonine 498 with methionine.
Molecular consequence: missense variant.
Genome position (GRCh38, 1-based): chr8:144,515,063, G>A on the plus strand (C>T on the coding strand, the complement: RECQL4 is on the minus strand). VCF-style: chr8-144515063-G-A. GRCh37 (hg19) VCF-style: chr8-145740447-G-A.
Other names: short protein forms T498M.
Identifiers: ClinVar variation 582467 (VCV000582467.15), dbSNP rs376587038, ClinGen allele CA4948823.

ClinVar aggregate classification (germline): Uncertain significance. Review status: criteria provided, multiple submitters, no conflicts (2 of 4 stars). 3 submissions from 3 submitters: Uncertain significance (3). Last evaluated 2024-11-22.

Conditions:
Baller-Gerold syndrome (BGS). Also called: CRANIOSYNOSTOSIS WITH RADIAL DEFECTS. Identifiers: Orphanet 1225, MedGen C0265308, MONDO:0009039, OMIM 218600.
Inborn genetic diseases. Identifiers: MedGen C0950123, MeSH D030342.

Allele frequency attached by ClinVar (database versions not stated): ExAC 0.00001; gnomAD exomes 0.00001 and 0.00002; TOPMed 0.00003; ESP Exome Variant Server 0.00008.
gnomAD v4.1: 14 of 1,607,362 alleles (0.00087%); highest among the groups gnomAD compares: Admixed American, 0.0051%; no homozygotes.

Submissions (3):

Ambry Genetics
Classification: Uncertain significance for Inborn genetic diseases. Last evaluated: 2024-11-22. Review status: criteria provided, single submitter. Criteria: Ambry Variant Classification Scheme 2023. Collection method: clinical testing. Allele origin: germline.
Comment: The p.T498M variant (also known as c.1493C>T), located in coding exon 9 of the RECQL4 gene, results from a C to T substitution at nucleotide position 1493. The threonine at codon 498 is replaced by methionine, an amino acid with similar properties. This amino acid position is conserved. In addition, this alteration is predicted to be deleterious by in silico analysis. Based on the available evidence, the clinical significance of this variant remains unclear.

Labcorp Genetics (formerly Invitae), Labcorp
Classification: Uncertain significance for Baller-Gerold syndrome. Last evaluated: 2024-10-31. Review status: criteria provided, single submitter. Criteria: Invitae Variant Classification Sherloc (09022015). Collection method: clinical testing. Allele origin: germline.
Comment: This sequence change replaces threonine, which is neutral and polar, with methionine, which is neutral and non-polar, at codon 498 of the RECQL4 protein (p.Thr498Met). The frequency data for this variant in the population databases is considered unreliable, as metrics indicate poor data quality at this position in the gnomAD database. This variant has not been reported in the literature in individuals affected with RECQL4-related conditions. ClinVar contains an entry for this variant (Variation ID: 582467). Invitae Evidence Modeling of protein sequence and biophysical properties (such as structural, functional, and spatial information, amino acid conservation, physicochemical variation, residue mobility, and thermodynamic stability) indicates that this missense variant is expected to disrupt RECQL4 protein function with a positive predictive value of 80%. In summary, the available evidence is currently insufficient to determine the role of this variant in disease. Therefore, it has been classified as a Variant of Uncertain Significance.

Genetic Services Laboratory, University of Chicago
Classification: Uncertain significance. Last evaluated: 2021-08-04. Review status: criteria provided, single submitter. Criteria: ACMG Guidelines, 2015. Collection method: clinical testing. Allele origin: germline. Affected: no.
Comment: This sequence change does not appear to have been previously described in patients with RECQL4-related disorders and has been described in the gnomAD database with a low population frequency of 0.0019% (dbSNP rs376587038). The p.Thr498Met change affects a highly conserved amino acid residue located in a domain of the RECQL4 protein that is not known to be functional. The p.Thr498Met substitution appears to be deleterious using several in-silico pathogenicity prediction tools (SIFT, PolyPhen2, Align GVGD). Due to these contrasting evidences and the lack of functional studies, the clinical significance of the p.Thr498Met change remains unknown at this time.